The following is an entry in ClinVar:

NM_014714.4(IFT140):c.775G>A (p.Val259Met)

Genes: IFT140 (intraflagellar transport 140; minus strand), LOC105371046 (uncharacterized LOC105371046; plus strand). Cytogenetic location: 16p13.3.
Variant type: single nucleotide variant.
Coding change: c.775G>A on transcript NM_014714.4 (MANE Select); coding-DNA position 775, G replaced by A.
Protein change: p.Val259Met; replaces valine 259 with methionine.
Molecular consequence: missense variant.
Genome position (GRCh38, 1-based): chr16:1,589,640, C>T on the plus strand (G>A on the coding strand, the complement: IFT140 is on the minus strand). VCF-style: chr16-1589640-C-T. GRCh37 (hg19) VCF-style: chr16-1639641-C-T.
Other names: short protein forms V259M.
Identifiers: ClinVar variation 1443924 (VCV001443924.6), dbSNP rs1392612759, ClinGen allele CA394218315.
Genomic context (GRCh38, chr16:1,589,640, plus strand): 5'-AGCCCCCAAGCCCACTCCCACTCACCTTCATCACTTCTTCTGCTTTGCCCTCAGGAGGCA[C>T]CGTGTACAGGGACAGCCGGAGGTTCTCTGTGACCACCACCAGTGCCTCCCTCTTCTCCAT-3'
Protein context (NP_055529.2, residues 249-269): TENLRLSLYT[Val259Met]PPEGKAEEVM

ClinVar aggregate classification (germline): Uncertain significance (1 of 4 stars; one submission).

Conditions:
Saldino-Mainzer syndrome (SRTD9). Also called: Renal dysplasia, retinal pigmentary dystrophy, cerebellar ataxia and skeletal dysplasia; CONORENAL SYNDROME; SHORT-RIB THORACIC DYSPLASIA 9 WITHOUT POLYDACTYLY; short-rib thoracic dysplasia 9 with or without polydactyly. Identifiers: Orphanet 140969, MedGen C1849437, MONDO:0009964, OMIM 266920.

Allele frequency attached by ClinVar (database versions not stated): gnomAD exomes below 0.00001; TOPMed below 0.00001.
gnomAD v4.1: 2 of 1,614,200 alleles (0.00012%); highest among the groups gnomAD compares: Non-Finnish European, 0.00017%; no homozygotes.

Submission:

Labcorp Genetics (formerly Invitae), Labcorp
Classification: Uncertain significance for Saldino-Mainzer syndrome. Last evaluated: 2023-10-13. Review status: criteria provided, single submitter. Criteria: Invitae Variant Classification Sherloc (09022015). Collection method: clinical testing. Allele origin: germline.
Comment: This sequence change replaces valine, which is neutral and non-polar, with methionine, which is neutral and non-polar, at codon 259 of the IFT140 protein (p.Val259Met). This variant is present in population databases (no rsID available, gnomAD 0.0009%). This variant has not been reported in the literature in individuals affected with IFT140-related conditions. ClinVar contains an entry for this variant (Variation ID: 1443924). Advanced modeling of protein sequence and biophysical properties (such as structural, functional, and spatial information, amino acid conservation, physicochemical variation, residue mobility, and thermodynamic stability) performed at Invitae indicates that this missense variant is not expected to disrupt IFT140 protein function. In summary, the available evidence is currently insufficient to determine the role of this variant in disease. Therefore, it has been classified as a Variant of Uncertain Significance.